The following is an entry in ClinVar:

NM_000487.6(ARSA):c.1087dup (p.Leu363fs)

Gene: ARSA (arylsulfatase A; minus strand). Cytogenetic location: 22q13.33.
Variant type: Duplication.
Coding change: c.1087dup on transcript NM_000487.6 (MANE Select); coding-DNA position 1087, one base duplicated (C; older notation c.1087dupC).
Protein change: p.Leu363fs; shifts the reading frame from leucine 363.
Molecular consequence: frameshift variant.
Genome position (GRCh38, 1-based): chr22:50,625,956, G duplicated on the plus strand (C on the coding strand, the reverse complement: ARSA is on the minus strand); the first of 5 consecutive G bases (chr22:50,625,956-50,625,960); duplicating any one gives the same sequence. VCF-style (leftmost placement, unchanged base first): chr22-50625955-A-AG. GRCh37 (hg19) VCF-style: chr22-51064383-A-AG.
Other names: c.1087dup, p.Leu363fs (NM_001085425.3, NM_001085426.3, NM_001085427.3); c.829dup, p.Leu277fs (NM_001085428.3, NM_001362782.2); short protein forms L277fs, L363fs.
Identifiers: ClinVar variation 858399 (VCV000858399.9), dbSNP rs2082657747, ClinGen allele CA916083827.
Genomic context (GRCh38, chr22:50,625,955, plus strand): 5'-ACAGGGGCCAAGGATCTGGGATCAGGGGTCACCGGCCCTACCTTGCCTGTGCCCAGCAGC[A>AG]GGGGGCTGAGGTCAAAGCCATCCAAGGTGACATTGGGCAGTGGGGCCCCAGCCAGGGCTG-3'

ClinVar aggregate classification (germline): Pathogenic (1 of 4 stars; one submission).

Conditions:
Metachromatic leukodystrophy (MLD). Also called: Arylsulfatase A Deficiency; SULFATIDE LIPIDOSIS; ARSA DEFICIENCY; CEREBROSIDE SULFATASE DEFICIENCY; METACHROMATIC LEUKOENCEPHALOPATHY; Cerebral sclerosis diffuse metachromatic form. Identifiers: Orphanet 512, MedGen C0023522, MONDO:0018868, OMIM 250100.

Submission:

Labcorp Genetics (formerly Invitae), Labcorp
Classification: Pathogenic for Metachromatic leukodystrophy. Last evaluated: 2019-02-08. Review status: criteria provided, single submitter. Criteria: Invitae Variant Classification Sherloc (09022015). Collection method: clinical testing. Allele origin: germline.
Comment: This sequence change results in a premature translational stop signal in the ARSA gene (p.Leu363Profs*47). While this is not anticipated to result in nonsense mediated decay, it is expected to disrupt the last 147 amino acids of the ARSA protein. For these reasons, this variant has been classified as Pathogenic. This variant disrupts the C-terminus of the ARSA protein. Another variant that disrupts this region (p.Pro349Hisfs*74) has been determined to be pathogenic (PMID:26462614, 7906588, 19021637, 10220151). This suggests that variants that disrupt this region of the protein are likely to be causative of disease. Experimental studies and prediction algorithms are not available for this variant, and the functional significance of the affected amino acid(s) is currently unknown. This variant has not been reported in the literature in individuals with ARSA-related conditions. This variant is not present in population databases (ExAC no frequency).

Literature cited by the submitters: PubMed 26462614; PubMed 7906588; PubMed 19021637; PubMed 10220151.